The following is an entry in ClinVar:

NM_001042492.3(NF1):c.1002del (p.Asn335fs)

Gene: NF1 (neurofibromin 1; plus strand). Cytogenetic location: 17q11.2.
Variant type: Deletion.
Coding change: c.1002del on transcript NM_001042492.3 (MANE Select); coding-DNA position 1002, one base deleted (C; older notation c.1002delC).
Protein change: p.Asn335fs; shifts the reading frame from asparagine 335.
Molecular consequence: frameshift variant.
Genome position (GRCh38, 1-based): chr17:31,200,535, C deleted. VCF-style (leftmost placement, unchanged base first): chr17-31200534-TC-T. GRCh37 (hg19) VCF-style: chr17-29527552-TC-T.
Other names: c.1002delC, p.Asn335Ilefs (NM_000267.4); c.1002del, p.Asn335fs (NM_001128147.3); short protein forms N335fs.
Identifiers: ClinVar variation 1076699 (VCV001076699.5), dbSNP rs2143873673, ClinGen allele CA2499224013.

ClinVar aggregate classification (germline): Pathogenic (1 of 4 stars; one submission).

Conditions:
Neurofibromatosis, type 1 (NF1). Also called: VON RECKLINGHAUSEN DISEASE; Peripheral type neurofibromatosis; NEUROFIBROMATOSIS, TYPE I, SOMATIC; Neurofibromatosis, type I. Identifiers: Orphanet 636, MedGen C0027831, MONDO:0018975, OMIM 162200. Disease mechanism: loss of function.

Submission:

Labcorp Genetics (formerly Invitae), Labcorp
Classification: Pathogenic for Neurofibromatosis, type 1. Last evaluated: 2025-04-21. Review status: criteria provided, single submitter. Criteria: Invitae Variant Classification Sherloc (09022015). Collection method: clinical testing. Allele origin: germline.
Comment: This sequence change creates a premature translational stop signal (p.Asn335Ilefs*41) in the NF1 gene. It is expected to result in an absent or disrupted protein product. Loss-of-function variants in NF1 are known to be pathogenic (PMID: 10712197, 23913538). This variant is not present in population databases (gnomAD no frequency). This premature translational stop signal has been observed in individual(s) with clinical features of NF1-related conditions (PMID: 21520333). ClinVar contains an entry for this variant (Variation ID: 1076699). Algorithms developed to predict the effect of sequence changes on RNA splicing suggest that this variant may disrupt the consensus splice site. For these reasons, this variant has been classified as Pathogenic.

Literature cited by the submitters: PubMed 10712197; PubMed 23913538; PubMed 21520333.